The following is an entry in ClinVar:

NM_000478.6(ALPL):c.1471G>A (p.Gly491Arg)

Gene: ALPL (alkaline phosphatase, biomineralization associated; plus strand). Cytogenetic location: 1p36.12.
Variant type: single nucleotide variant.
Coding change: c.1471G>A on transcript NM_000478.6 (MANE Select); coding-DNA position 1471, G replaced by A.
Protein change: p.Gly491Arg; replaces glycine 491 with arginine.
Molecular consequence: missense variant.
Genome position (GRCh38, 1-based): chr1:21,577,544, G>A. VCF-style: chr1-21577544-G-A. GRCh37 (hg19) VCF-style: chr1-21904037-G-A.
Other names: c.1306G>A, p.Gly436Arg (NM_001127501.4); c.1240G>A, p.Gly414Arg (NM_001177520.3); c.1471G>A, p.Gly491Arg (NM_001369803.2, NM_001369804.2, NM_001369805.2); short protein forms G491R, G414R, G436R.
Identifiers: ClinVar variation 551446 (VCV000551446.27), dbSNP rs1413274209, ClinGen allele CA338882323.

ClinVar aggregate classification (germline): Pathogenic/Likely pathogenic. Review status: criteria provided, multiple submitters, no conflicts (2 of 4 stars). 13 submissions from 13 submitters: Pathogenic (11); Likely pathogenic (1). 1 of the submissions does not count toward it. Last evaluated 2026-04-03.

Conditions:
Hypophosphataemia or rickets.
Childhood hypophosphatasia. Identifiers: Orphanet 247667, Orphanet 436, MedGen C0220743, MONDO:1010168, OMIM 241510, MONDO:0009428.
Infantile hypophosphatasia. Identifiers: Orphanet 247651, Orphanet 436, MedGen C0268412, MONDO:1010169, OMIM 241500, MONDO:0009427.
Adult hypophosphatasia. Identifiers: Orphanet 247676, Orphanet 436, MedGen C0268413, MONDO:1010154, OMIM 146300, MONDO:0007798.
ALPL-related disorder. Also called: ALPL-related disorders; ALPL-related condition.
Inborn genetic diseases. Identifiers: MedGen C0950123, MeSH D030342.
Hypophosphatasia. Also called: Phosphoethanol-aminuria. Identifiers: Orphanet 436, MedGen C0020630, MeSH D007014, MONDO:0018570.

Allele frequency attached by ClinVar (database versions not stated): gnomAD 0.00001 and 0.00002; gnomAD exomes 0.00001; TOPMed 0.00001.
gnomAD v4.1: 49 of 1,605,860 alleles (0.0031%); highest among the groups gnomAD compares: Non-Finnish European, 0.0038%; no homozygotes.

Submissions (13):

Ambry Genetics
Classification: Pathogenic for Inborn genetic diseases. Last evaluated: 2026-04-03. Review status: criteria provided, single submitter. Criteria: Ambry Variant Classification Scheme 2023. Collection method: clinical testing. Allele origin: germline.
Comment: The c.1471G>A (p.G491R) alteration is located in exon 12 (coding exon 11) of the ALPL gene. This alteration results from a G to A substitution at nucleotide position 1471, causing the glycine (G) at amino acid position 491 to be replaced by an arginine (R). for autosomal dominant and autosomal recessive ALPL-related hypophosphatasia with a loss of function mechanism of disease; however, its clinical significance for autosomal dominant ALPL-related hypophosphatasia with a dominant negative mechanism of disease is uncertain. Based on data from gnomAD, the A allele has an overall frequency of 0.001% (2/241684) total alleles studied. The highest observed frequency was 0.002% (2/111128) of European (non-Finnish) alleles. This variant has been identified in the homozygous state and/or in conjunction with other ALPL variant(s) in individual(s) with features consistent with ALPL-related hypophosphatasia (Yokoi, 2019; Del Angel, 2020; Noda, 2025). A different nucleotide substitution resulting in the same codon change, c.1471G>C (p.G491R), has been identified in individual(s) with features consistent with ALPL-related hypophosphatasia (Taillandier, 2018; Rush, 2025). This amino acid position is well conserved in available vertebrate species. This alteration is predicted to be deleterious by in silico analysis. Based on the available evidence, this alteration is classified as pathogenic.

Labcorp Genetics (formerly Invitae), Labcorp
Classification: Pathogenic. Last evaluated: 2026-01-12. Review status: criteria provided, single submitter. Criteria: Invitae Variant Classification Sherloc (09022015). Collection method: clinical testing. Allele origin: germline.
Comment: This sequence change replaces glycine, which is neutral and non-polar, with arginine, which is basic and polar, at codon 491 of the ALPL protein (p.Gly491Arg). The frequency data for this variant in the population databases is considered unreliable, as metrics indicate poor data quality at this position in the gnomAD database. This missense change has been observed in individual(s) with hypophosphatasia (PMID: 9781036, 17253930, 26459154, 31641588). This variant is also known as G474R. ClinVar contains an entry for this variant (Variation ID: 551446). Invitae Evidence Modeling of protein sequence and biophysical properties (such as structural, functional, and spatial information, amino acid conservation, physicochemical variation, residue mobility, and thermodynamic stability) indicates that this missense variant is expected to disrupt ALPL protein function with a positive predictive value of 95%. For these reasons, this variant has been classified as Pathogenic.

Cambridge Genomics Laboratory, East Genomic Laboratory Hub, NHS Genomic Medicine Service
Classification: Pathogenic for Hypophosphataemia or rickets. Last evaluated: 2025-09-18. Review status: criteria provided, single submitter. Criteria: ACGS Best Practice Guidelines for Variant Classification in Rare Disease 2020. Collection method: clinical testing. Allele origin: germline. Affected: yes.
Comment: PS3_Moderate,PS4_Supporting,PM2,PM3_Strong,PP3

Genomenon, Inc
Classification: Pathogenic for Hypophosphatasia. Last evaluated: 2025-08-29. Review status: criteria provided, single submitter. Criteria: Genomenon Sequence Variant Interpretation Standards. Collection method: curation. Allele origin: germline. Affected: yes.
Comment: ALPL Gly491Arg (c.1471G>A) is a missense variant that changes the amino acid at residue 491 from Glycine to Arginine. This variant has been observed in multiple probands affected with hypophosphatasia (PMID:32066479;18925618;32973344;29236161;33579333;27342130;26459154;31600233;32762706;28374482;17253930;31641588). At least one functional study has demonstrated a substantial alteration in protein function relative to the wild-type (PMID:32160374;26459154). It is absent or not present at a significant frequency in gnomAD. In silico models agree that this variant is possibly or probably damaging. In conclusion, we classify ALPL p.Gly491Arg (c.1471G>A) as a pathogenic variant.

Natera, Inc.
Classification: Pathogenic for Hypophosphatasia. Last evaluated: 2025-08-13. Review status: criteria provided, single submitter. Criteria: Natera Variant Classification Schema (03/2026). Collection method: clinical testing. Allele origin: germline.
Comment: The c.1471G>A variant in ALPL is a missense variant predicted to cause substitution of glycine to arginine at amino acid 491. This variant is rare in the general population with a frequency below the threshold expected for the associated phenotype(s). This variant has been observed in one or more individuals affected with the associated recessive disease, as either homozygous or compound heterozygous with a second variant (PMID: 26459154, 32160374, 31641588). Computational prediction algorithms indicate this variant is likely to affect gene or protein function. Given the available evidence, this variant is classified as Pathogenic.

PreventionGenetics, part of Exact Sciences
Classification: Pathogenic for ALPL-related condition. Last evaluated: 2024-12-27. Review status: criteria provided, single submitter. Criteria: ACMG Guidelines, 2015. Collection method: clinical testing. Allele origin: germline.
Comment: The ALPL c.1471G>A variant is predicted to result in the amino acid substitution p.Gly491Arg. This variant has been reported in the homozygous and compound heterozygous states in multiple individuals with infantile hypophosphatasia (Mornet et al. 1998. PubMed ID: 9781036; Simon-Bouy et al. 2008. PubMed ID: 18925618; Okazaki et al. 2015. PubMed ID: 26459154). This variant is reported in 0.0018% of alleles in individuals of European (non-Finnish) descent in gnomAD. An in vitro experimental study suggests this variant reduces enzyme activity to ~8% of wildtype activity (Table S1, Del Angel et al. 2020. PubMed ID: 32160374). This variant is interpreted as pathogenic.

GeneDx
Classification: Pathogenic. Last evaluated: 2024-12-11. Review status: criteria provided, single submitter. Criteria: GeneDx Variant Classification Process June 2021. Collection method: clinical testing. Allele origin: germline.
Comment: Published functional studies demonstrate p.(G491R) results in reduced enzyme activity (PMID: 32160374); Not observed at significant frequency in large population cohorts (gnomAD); In silico analysis indicates that this missense variant does not alter protein structure/function; This variant is associated with the following publications: (PMID: 34633109, 34662886, 31641588, 32066479, 32160374, 26459154, 18925618, 27342130, 17719863, 29236161, 21956185, 9781036, 20049532, 17253930, 28374482, 31600233, 31969353)

Fulgent Genetics
Classification: Pathogenic for Adult hypophosphatasia; Infantile hypophosphatasia; Childhood hypophosphatasia. Last evaluated: 2024-05-07. Review status: criteria provided, single submitter. Criteria: ACMG Guidelines, 2015. Collection method: clinical testing. Allele origin: germline.

Blueprint Genetics
Classification: Pathogenic for ALPL-related disorders. Last evaluated: 2024-04-10. Review status: criteria provided, single submitter. Criteria: ACMG Guidelines, 2015. Collection method: clinical testing. Allele origin: germline. Affected: yes. Observed: 5 variant alleles.

Baylor Genetics
Classification: Likely pathogenic for Adult hypophosphatasia. Last evaluated: 2024-03-15. Review status: criteria provided, single submitter. Criteria: ACMG Guidelines, 2015. Collection method: clinical testing. Allele origin: unknown.

Women's Health and Genetics/Laboratory Corporation of America, LabCorp
Classification: Pathogenic for Hypophosphatasia. Last evaluated: 2022-02-02. Review status: criteria provided, single submitter. Criteria: LabCorp Variant Classification Summary - May 2015. Collection method: clinical testing. Allele origin: germline.
Comment: Variant summary: ALPL c.1471G>A (p.Gly491Arg) results in a non-conservative amino acid change in the encoded protein sequence. Five of five in-silico tools predict a damaging effect of the variant on protein function. The variant allele was found at a frequency of 8.3e-06 in 241684 control chromosomes. c.1471G>A has been reported in the literature in individuals affected with Hypophosphatasia (examples: Zurutuza_1999, Spentchian_2006, Simon-Bouy_2008, Okawa_2019). These data indicate that the variant is likely to be associated with disease. The variant has been reported as having <10% enzyme activity compared to wild-type in transfected cells (Del Angel_2020). Four clinical diagnostic laboratories have submitted clinical-significance assessments for this variant to ClinVar after 2014 without evidence for independent evaluation. All laboratories classified the variant as pathogenic/likely pathogenic. Based on the evidence outlined above, the variant was classified as pathogenic.

Greenwood Genetic Center Diagnostic Laboratories, Greenwood Genetic Center
Classification: Pathogenic for Adult hypophosphatasia; Infantile hypophosphatasia; Childhood hypophosphatasia. Last evaluated: 2021-10-11. Review status: criteria provided, single submitter. Criteria: ACMG Guidelines, 2015. Collection method: clinical testing. Allele origin: germline. Affected: yes.
Comment: PM3_strong, PS3, PP3, PM2

Counsyl
Classification: Likely pathogenic for Infantile hypophosphatasia. Last evaluated: 2017-04-10. Review status: no assertion criteria provided. Collection method: clinical testing. Allele origin: unknown. Not counted in ClinVar's aggregate classification.

Literature cited by the submitters: PubMed 29236161 (cited by Ambry Genetics and Genomenon, Inc); PubMed 31641588 (cited by 4 submitters); PubMed 32160374 (cited by 4 submitters); PubMed 39925621 (cited by Ambry Genetics); PubMed 39983296 (cited by Ambry Genetics); PubMed 9781036 (cited by Labcorp Genetics (formerly Invitae), Labcorp and Counsyl); PubMed 17253930 (cited by 3 submitters); PubMed 26459154 (cited by 5 submitters); PubMed 32066479 (cited by Genomenon, Inc); PubMed 18925618 (cited by 3 submitters); PubMed 32973344 (cited by Genomenon, Inc); PubMed 33579333 (cited by Genomenon, Inc); PubMed 27342130 (cited by Genomenon, Inc); PubMed 31600233 (cited by Genomenon, Inc); PubMed 32762706 (cited by Genomenon, Inc); PubMed 28374482 (cited by Genomenon, Inc); PubMed 10332035 (cited by Women's Health and Genetics/Laboratory Corporation of America, LabCorp); PubMed 20049532 (cited by Counsyl).